The following is an entry in ClinVar:

NM_182961.4(SYNE1):c.22540A>T (p.Ile7514Phe)

Gene: SYNE1 (spectrin repeat containing nuclear envelope protein 1; minus strand). Cytogenetic location: 6q25.2.
Variant type: single nucleotide variant.
Coding change: c.22540A>T on transcript NM_182961.4 (MANE Select); coding-DNA position 22540, A replaced by T.
Protein change: p.Ile7514Phe; replaces isoleucine 7514 with phenylalanine.
Molecular consequence: missense variant.
Genome position (GRCh38, 1-based): chr6:152,211,543, T>A on the plus strand (A>T on the coding strand, the complement: SYNE1 is on the minus strand). VCF-style: chr6-152211543-T-A. GRCh37 (hg19) VCF-style: chr6-152532678-T-A.
Other names: c.22327A>T, p.Ile7443Phe (NM_033071.5); short protein forms I7514F, I7443F.
Identifiers: ClinVar variation 4785515 (VCV004785515.1).
Genomic context (GRCh38, chr6:152,211,543, plus strand): 5'-AAAGATCCTACCTGTCATCAACTTGACCTTGTTCTAGAAGACGTTGCCCATCAATAATGA[T>A]TGAGTGCAAAATCTGCTGACGACTGAACATCTCGGCTTGAAACAACTATAATTTAAAAAA-3'
Protein context (NP_892006.3, residues 7504-7524): MFSRQQILHS[Ile7514Phe]IIDGQRLLEQ

ClinVar aggregate classification (germline): Uncertain significance (1 of 4 stars; one submission).

Conditions:
Autosomal recessive ataxia, Beauce type. Also called: SYNE1-Related Autosomal Recessive Cerebellar Ataxia; Spinocerebellar ataxia, autosomal recessive 8; ATAXIA, RECESSIVE, OF BEAUCE; SYNE1 Deficiency. Identifiers: Orphanet 88644, MedGen C1853116, MONDO:0012549, OMIM 610743.
Emery-Dreifuss muscular dystrophy 4, autosomal dominant (EDMD4). Also called: EMERY-DREIFUSS MUSCULAR DYSTROPHY 4 WITH VARIABLE FEATURES. Identifiers: Orphanet 261, MedGen C2751807, MONDO:0013071, OMIM 612998.

Submission:

Labcorp Genetics (formerly Invitae), Labcorp
Classification: Uncertain significance for Emery-Dreifuss muscular dystrophy 4, autosomal dominant; Autosomal recessive ataxia, Beauce type. Last evaluated: 2025-10-22. Review status: criteria provided, single submitter. Criteria: Invitae Variant Classification Sherloc (09022015). Collection method: clinical testing. Allele origin: germline.
Comment: This sequence change replaces isoleucine, which is neutral and non-polar, with phenylalanine, which is neutral and non-polar, at codon 7443 of the SYNE1 protein (p.Ile7443Phe). This variant is not present in population databases (gnomAD no frequency). This variant has not been reported in the literature in individuals affected with SYNE1-related conditions. An algorithm developed to predict the effect of missense changes on protein structure and function (PolyPhen-2) suggests that this variant is likely to be disruptive. In summary, the available evidence is currently insufficient to determine the role of this variant in disease. Therefore, it has been classified as a Variant of Uncertain Significance.